The following is an entry in ClinVar:

ClinVar aggregate classification (germline): Likely benign. Review status: criteria provided, multiple submitters, no conflicts (2 of 4 stars). 4 submissions from 4 submitters: Likely benign (3). 1 of the submissions does not count toward it. Last evaluated 2024-10-12.

Conditions:
GATA3-related disorder. Also called: GATA3-related condition.

Allele frequency attached by ClinVar (database versions not stated): TOPMed 0.00014; ESP Exome Variant Server 0.00015; gnomAD exomes 0.00015 and 0.00011; 1000 Genomes Project 0.00020; ExAC 0.00026; 1000 Genomes Project 30x 0.00031.
gnomAD v4.1: 221 of 1,571,630 alleles (0.014%); highest among the groups gnomAD compares: Non-Finnish European, 0.018%; no homozygotes.

Submissions (4):

Labcorp Genetics (formerly Invitae), Labcorp
Classification: Likely benign. Last evaluated: 2024-10-12. Review status: criteria provided, single submitter. Criteria: Invitae Variant Classification Sherloc (09022015). Collection method: clinical testing. Allele origin: germline.

Blueprint Genetics
Classification: Likely benign. Last evaluated: 2024-03-26. Review status: criteria provided, single submitter. Criteria: ACMG Guidelines, 2015. Collection method: clinical testing. Allele origin: germline.

Breakthrough Genomics
Classification: Likely benign. Review status: criteria provided, single submitter. Criteria: ACMG Guidelines, 2015. Collection method: not provided. Allele origin: germline. Inheritance: Autosomal dominant inheritance. Affected: yes.

PreventionGenetics, part of Exact Sciences
Classification: Likely benign for GATA3-related condition. Last evaluated: 2024-03-20. Review status: no assertion criteria provided. Collection method: clinical testing. Allele origin: germline. Not counted in ClinVar's aggregate classification.
Comment: This variant is classified as likely benign based on ACMG/AMP sequence variant interpretation guidelines (Richards et al. 2015 PMID: 25741868, with internal and published modifications).

NM_001002295.2(GATA3):c.72G>A (p.Pro24=)

Gene: GATA3 (GATA binding protein 3; plus strand). Cytogenetic location: 10p14.
Variant type: single nucleotide variant.
Coding change: c.72G>A on transcript NM_001002295.2 (MANE Select); coding-DNA position 72, G replaced by A.
Protein change: p.Pro24=; no amino-acid change (proline 24 retained).
Molecular consequence: synonymous variant.
Genome position (GRCh38, 1-based): chr10:8,055,727, G>A. VCF-style: chr10-8055727-G-A. GRCh37 (hg19) VCF-style: chr10-8097690-G-A.
Other names: c.72G>A, p.Pro24= (NM_002051.3).
Identifiers: ClinVar variation 301118 (VCV000301118.10), dbSNP rs202168967, ClinGen allele CA5404284.